The following is an entry in ClinVar:

ClinVar aggregate classification (germline): Likely benign (1 of 4 stars; one submission).

Allele frequency attached by ClinVar (database versions not stated): ESP Exome Variant Server 0.00008; gnomAD exomes 0.00014; ExAC 0.00018; gnomAD 0.00023; TOPMed 0.00024; 1000 Genomes Project 0.00060; 1000 Genomes Project 30x 0.00062.
gnomAD v4.1: 258 of 1,613,198 alleles (0.016%); highest among the groups gnomAD compares: Middle Eastern, 0.92%; 3 homozygotes.

Submission:

CeGaT Center for Human Genetics Tuebingen
Classification: Likely benign. Last evaluated: 2022-12-01. Review status: criteria provided, single submitter. Criteria: CeGaT Center For Human Genetics Tuebingen Variant Classification Criteria Version 2. Collection method: clinical testing. Allele origin: germline. Affected: yes. Observed: 1 variant allele.
Comment: WNT9A: BP4, BP7

NM_003395.4(WNT9A):c.531G>A (p.Lys177=)

Gene: WNT9A (Wnt family member 9A; minus strand). Cytogenetic location: 1q42.13.
Variant type: single nucleotide variant.
Coding change: c.531G>A on transcript NM_003395.4 (MANE Select); coding-DNA position 531, G replaced by A.
Protein change: p.Lys177=; no amino-acid change (lysine 177 retained).
Molecular consequence: synonymous variant.
Genome position (GRCh38, 1-based): chr1:227,924,222, C>T on the plus strand (G>A on the coding strand, the complement: WNT9A is on the minus strand). VCF-style: chr1-227924222-C-T. GRCh37 (hg19) VCF-style: chr1-228111923-C-T.
Identifiers: ClinVar variation 2639982 (VCV002639982.24), dbSNP rs200491622, ClinGen allele CA1429186.